The following is an entry in ClinVar:

NM_004985.5(KRAS):c.322G>T (p.Asp108Tyr)

Gene: KRAS (KRAS proto-oncogene, GTPase; minus strand). Cytogenetic location: 12p12.1.
Variant type: single nucleotide variant.
Coding change: c.322G>T on transcript NM_004985.5 (MANE Select); coding-DNA position 322, G replaced by T.
Protein change: p.Asp108Tyr; replaces aspartic acid 108 with tyrosine.
Molecular consequence: missense variant.
Genome position (GRCh38, 1-based): chr12:25,225,742, C>A on the plus strand (G>T on the coding strand, the complement: KRAS is on the minus strand). VCF-style: chr12-25225742-C-A. GRCh37 (hg19) VCF-style: chr12-25378676-C-A.
Other names: c.322G>T, p.Asp108Tyr (NM_001369786.1, NM_001369787.1, NM_033360.4); short protein forms D108Y.
Identifiers: ClinVar variation 1163347 (VCV001163347.9), dbSNP rs763553461, ClinGen allele CA6486890.

ClinVar aggregate classification (germline): Uncertain significance. Review status: criteria provided, multiple submitters, no conflicts (2 of 4 stars). 2 submissions from 2 submitters: Uncertain significance (2). Last evaluated 2022-10-13.

Conditions:
RASopathy. Also called: rasopathies; Noonan spectrum disorder. Identifiers: Orphanet 536391, MedGen C5555857, MONDO:0021060.

Allele frequency attached by ClinVar (database versions not stated): gnomAD exomes below 0.00001 and 0.00001; ExAC 0.00002.
gnomAD v4.1: 5 of 1,612,966 alleles (0.00031%); highest among the groups gnomAD compares: Non-Finnish European, 0.00042%; no homozygotes.

Submissions (2):

Labcorp Genetics (formerly Invitae), Labcorp
Classification: Uncertain significance for RASopathy. Last evaluated: 2022-10-13. Review status: criteria provided, single submitter. Criteria: Invitae Variant Classification Sherloc (09022015). Collection method: clinical testing. Allele origin: germline.
Comment: In summary, the available evidence is currently insufficient to determine the role of this variant in disease. Therefore, it has been classified as a Variant of Uncertain Significance. Algorithms developed to predict the effect of missense changes on protein structure and function (SIFT, PolyPhen-2, Align-GVGD) all suggest that this variant is likely to be disruptive. ClinVar contains an entry for this variant (Variation ID: 1163347). This variant has not been reported in the literature in individuals affected with KRAS-related conditions. This variant is present in population databases (rs763553461, gnomAD 0.002%). This sequence change replaces aspartic acid, which is acidic and polar, with tyrosine, which is neutral and polar, at codon 108 of the KRAS protein (p.Asp108Tyr).

Mayo Clinic Laboratories, Mayo Clinic
Classification: Uncertain significance. Last evaluated: 2020-12-21. Review status: criteria provided, single submitter. Criteria: ACMG Guidelines, 2015. Collection method: clinical testing. Allele origin: germline. Observed: 1 variant allele.